The following is an entry in ClinVar:

ClinVar aggregate classification (germline): Uncertain significance. Review status: criteria provided, multiple submitters, no conflicts (2 of 4 stars). 5 submissions from 5 submitters: Uncertain significance (4). 1 of the submissions does not count toward it. Last evaluated 2026-01-25.

Conditions:
Inborn genetic diseases. Identifiers: MedGen C0950123, MeSH D030342.
Usher syndrome type 1B (USH1B). Also called: Usher syndrome type IB. Identifiers: MedGen C1848638, MONDO:0700087.

Allele frequency attached by ClinVar (database versions not stated): 1000 Genomes Project 30x 0.00016; gnomAD 0.00002 and 0.00003; gnomAD exomes 0.00003; TOPMed 0.00003; ExAC 0.00004; ESP Exome Variant Server 0.00008.
gnomAD v4.1: 60 of 1,598,962 alleles (0.0038%); highest among the groups gnomAD compares: Middle Eastern, 0.033%; no homozygotes.

Submissions (5):

Ambry Genetics
Classification: Uncertain significance for Inborn genetic diseases. Last evaluated: 2026-01-25. Review status: criteria provided, single submitter. Criteria: Ambry Variant Classification Scheme 2023. Collection method: clinical testing. Allele origin: germline.

Labcorp Genetics (formerly Invitae), Labcorp
Classification: Uncertain significance. Last evaluated: 2025-08-12. Review status: criteria provided, single submitter. Criteria: Invitae Variant Classification Sherloc (09022015). Collection method: clinical testing. Allele origin: germline.
Comment: This sequence change replaces valine, which is neutral and non-polar, with methionine, which is neutral and non-polar, at codon 1262 of the MYO7A protein (p.Val1262Met). The frequency data for this variant in the population databases is considered unreliable, as metrics indicate poor data quality at this position in the gnomAD database. This variant has not been reported in the literature in individuals affected with MYO7A-related conditions. ClinVar contains an entry for this variant (Variation ID: 966716). Invitae Evidence Modeling of protein sequence and biophysical properties (such as structural, functional, and spatial information, amino acid conservation, physicochemical variation, residue mobility, and thermodynamic stability) has been performed for this missense variant. However, the output from this modeling did not meet the statistical confidence thresholds required to predict the impact of this variant on MYO7A protein function. In summary, the available evidence is currently insufficient to determine the role of this variant in disease. Therefore, it has been classified as a Variant of Uncertain Significance.

GeneDx
Classification: Uncertain significance. Last evaluated: 2024-04-09. Review status: criteria provided, single submitter. Criteria: GeneDx Variant Classification Process June 2021. Collection method: clinical testing. Allele origin: germline. Affected: yes.
Comment: In silico analysis supports that this missense variant has a deleterious effect on protein structure/function; Has not been previously published as pathogenic or benign to our knowledge

Blueprint Genetics
Classification: Uncertain significance. Last evaluated: 2022-12-12. Review status: criteria provided, single submitter. Criteria: ACMG Guidelines, 2015. Collection method: clinical testing. Allele origin: germline.

Natera, Inc.
Classification: Uncertain significance for Usher syndrome type 1B. Last evaluated: 2020-03-16. Review status: no assertion criteria provided. Collection method: clinical testing. Allele origin: germline. Not counted in ClinVar's aggregate classification.

NM_000260.4(MYO7A):c.3784G>A (p.Val1262Met)

Gene: MYO7A (myosin VIIA; plus strand). Cytogenetic location: 11q13.5.
Variant type: single nucleotide variant.
Coding change: c.3784G>A on transcript NM_000260.4 (MANE Select); coding-DNA position 3784, G replaced by A.
Protein change: p.Val1262Met; replaces valine 1262 with methionine.
Molecular consequence: missense variant.
Genome position (GRCh38, 1-based): chr11:77,190,730, G>A. VCF-style: chr11-77190730-G-A. GRCh37 (hg19) VCF-style: chr11-76901775-G-A.
Other names: c.3784G>A, p.Val1262Met (NM_001127180.2); c.3751G>A, p.Val1251Met (NM_001369365.1); short protein forms V1262M, V1251M.
Identifiers: ClinVar variation 966716 (VCV000966716.9), dbSNP rs370036829, ClinGen allele CA6198200.